The following is an entry in ClinVar:

ClinVar aggregate classification (germline): Conflicting classifications of pathogenicity. Review status: criteria provided, conflicting classifications (1 of 4 stars). 3 submissions from 2 submitters: Uncertain significance (2); Likely benign (1). Last evaluated 2026-02-01.

Conditions:
Mitochondrial complex I deficiency, nuclear type 1. Also called: NADH-COENZYME Q REDUCTASE DEFICIENCY; MITOCHONDRIAL NADH DEHYDROGENASE COMPONENT OF COMPLEX I, DEFICIENCY OF. Identifiers: MedGen C6022305, MONDO:0100224, OMIM 252010.
Leigh syndrome (NULS). Also called: Leigh Syndrome (mtDNA deletion); LEIGH SYNDROME, NUCLEAR; Leigh's necrotizing encephalopathy; Leigh's disease; Leigh's syndrome; Leigh Disease. Identifiers: Orphanet 506, MedGen C2931891, MONDO:0009723, OMIM 256000.

Allele frequency attached by ClinVar (database versions not stated): gnomAD 0.00040 and 0.00044; TOPMed 0.00047.

Submissions (3):

CeGaT Center for Human Genetics Tuebingen
Classification: Likely benign. Last evaluated: 2026-02-01. Review status: criteria provided, single submitter. Criteria: CeGaT Center For Human Genetics Tuebingen Variant Classification Criteria Version 2. Collection method: clinical testing. Allele origin: germline. Affected: yes. Observed: 1 variant allele.
Comment: NDUFA10: BP4, BP7

Illumina Laboratory Services, Illumina
Classification: Uncertain significance for Mitochondrial complex I deficiency, nuclear type 1. Last evaluated: 2018-01-12. Review status: criteria provided, single submitter. Criteria: ICSL Variant Classification Criteria 13 December 2019. Collection method: clinical testing. Allele origin: germline.

Illumina Laboratory Services, Illumina
Classification: Uncertain significance for Leigh syndrome. Last evaluated: 2018-01-12. Review status: criteria provided, single submitter. Criteria: ICSL Variant Classification Criteria 13 December 2019. Collection method: clinical testing. Allele origin: germline.

NM_004544.4(NDUFA10):c.*2149C>T

Gene: NDUFA10 (NADH:ubiquinone oxidoreductase subunit A10; minus strand). Cytogenetic location: 2q37.3.
Variant type: single nucleotide variant.
Coding change: c.*2149C>T on transcript NM_004544.4 (MANE Select); 2149 bases downstream of the stop codon, C replaced by T.
Molecular consequence: 3 prime UTR variant. On other transcripts: non-coding transcript variant (3).
Genome position (GRCh38, 1-based): chr2:239,958,969, G>A on the plus strand (C>T on the coding strand, the complement: NDUFA10 is on the minus strand). VCF-style: chr2-239958969-G-A. GRCh37 (hg19) VCF-style: chr2-240898386-G-A.
Other names: c.*2154C>T (NM_001322020.2).
Identifiers: ClinVar variation 335171 (VCV000335171.9), dbSNP rs570872300, ClinGen allele CA10614932.